The following is an entry in ClinVar:

NM_001429.4(EP300):c.1370G>A (p.Ser457Asn)

Gene: EP300 (E1A binding protein p300; plus strand). Cytogenetic location: 22q13.2.
Variant type: single nucleotide variant.
Coding change: c.1370G>A on transcript NM_001429.4 (MANE Select); coding-DNA position 1370, G replaced by A.
Protein change: p.Ser457Asn; replaces serine 457 with asparagine.
Molecular consequence: missense variant.
Genome position (GRCh38, 1-based): chr22:41,131,475, G>A. VCF-style: chr22-41131475-G-A. GRCh37 (hg19) VCF-style: chr22-41527479-G-A.
Other names: c.1370G>A, p.Ser457Asn (NM_001362843.2); short protein forms S457N.
Identifiers: ClinVar variation 1310443 (VCV001310443.2), dbSNP rs2145715608, ClinGen allele CA411685710.
Genomic context (GRCh38, chr22:41,131,475, plus strand): 5'-TTGGAAATCCTAGCTCTCTAGGGGTGGGTCAACAGTCTGCCCCCAACCTAAGCACTGTTA[G>A]TCAGATTGATCCCAGCTCCATAGAAAGAGCCTATGCAGCTCTTGGACTACCCTATCAAGT-3'
Protein context (NP_001420.2, residues 447-467): QQSAPNLSTV[Ser457Asn]QIDPSSIERA

ClinVar aggregate classification (germline): Uncertain significance (1 of 4 stars; one submission).

Submission:

GeneDx
Classification: Uncertain significance. Last evaluated: 2019-11-19. Review status: criteria provided, single submitter. Criteria: GeneDx Variant Classification Process June 2021. Collection method: clinical testing. Allele origin: germline. Affected: yes.
Comment: Not observed in large population cohorts (Lek et al., 2016); In silico analysis, which includes protein predictors and evolutionary conservation, supports that this variant does not alter protein structure/function; Has not been previously published as pathogenic or benign to our knowledge